The following is an entry in ClinVar:

NM_000051.4(ATM):c.8880G>A (p.Trp2960Ter)

Genes: ATM (ATM serine/threonine kinase; plus strand), C11orf65 (chromosome 11 open reading frame 65; minus strand). Cytogenetic location: 11q22.3.
Variant type: single nucleotide variant.
Coding change: c.8880G>A on transcript NM_000051.4 (MANE Select); coding-DNA position 8880, G replaced by A.
Protein change: p.Trp2960Ter; replaces tryptophan 2960 with a stop codon.
Molecular consequence: nonsense. On other transcripts: intron variant (2).
Genome position (GRCh38, 1-based): chr11:108,365,111, G>A. VCF-style: chr11-108365111-G-A. GRCh37 (hg19) VCF-style: chr11-108235838-G-A.
Other names: c.8880G>A, p.Trp2960Ter (NM_001351834.2); c.640+20809C>T (NM_001330368.2); c.694+20809C>T (NM_001351110.2); short protein forms W2960*.
Identifiers: ClinVar variation 407645 (VCV000407645.21), dbSNP rs1060501650, ClinGen allele CA16613231.

ClinVar aggregate classification (germline): Pathogenic. Review status: criteria provided, multiple submitters, no conflicts (2 of 4 stars). 6 submissions from 6 submitters: Pathogenic (6). Last evaluated 2025-07-14.

Conditions:
Hereditary cancer-predisposing syndrome. Also called: Neoplastic Syndromes, Hereditary; Hereditary Cancer Syndrome; Tumor predisposition; Hereditary neoplastic syndrome. Identifiers: Orphanet 140162, MedGen C0027672, MeSH D009386, MONDO:0015356.
Familial cancer of breast. Also called: Hereditary breast cancer; BREAST CANCER, FAMILIAL; hereditary breast carcinoma. Identifiers: Orphanet 227535, MedGen C0346153, MONDO:0016419, OMIM 114480. Disease mechanism: loss of function.
Ataxia-telangiectasia syndrome (AT). Also called: LOUIS-BAR SYNDROME; Cerebello-oculocutaneous telangiectasia; Immunodeficiency with ataxia telangiectasia; Ataxia-telangiectasia, complementation group D; AT, COMPLEMENTATION GROUP C; Ataxia-telangiectasia, complementation group E. Identifiers: Orphanet 100, MedGen C0004135, MONDO:0008840, OMIM 208900.

Submissions (6):

ARUP Laboratories, Molecular Genetics and Genomics, ARUP Laboratories
Classification: Pathogenic. Last evaluated: 2025-07-14. Review status: criteria provided, single submitter. Criteria: ARUP Molecular Germline Variant Investigation Process 2024. Collection method: clinical testing. Allele origin: germline.
Comment: The ATM c.8880G>A; p.Trp2960Ter variant (rs1060501650), to our knowledge, is not reported in the medical literature but is reported in ClinVar (Variation ID: 407645). This variant is absent from the Genome Aggregation Database (v2.1.1), indicating it is not a common polymorphism. Additionally, another variant at this codon resulting in the same nonsense change (c.8879G>A; p.Trp2960Ter) has been reported in individuals with cancer and is considered disease-causing (Abida 2017, Kansuttiviwat 2024, Mandelker 2017). The c.8880G>A; p.Trp2960Ter variant induces an early termination codon and is predicted to result in a truncated protein or mRNA subject to nonsense-mediated decay. Based on available information, this variant is considered to be pathogenic. References: Abida W et al. Prospective Genomic Profiling of Prostate Cancer Across Disease States Reveals Germline and Somatic Alterations That May Affect Clinical Decision Making. JCO Precis Oncol. 2017 Jul;2017:PO.17.00029. PMID: 28825054. Kansuttiviwat C et al. Germline mutations of 4567 patients with hereditary breast-ovarian cancer spectrum in Thailand. NPJ Genom Med. 2024 Feb 14;9(1):9. PMID: 38355628. Mandelker D et al. Mutation Detection in Patients With Advanced Cancer by Universal Sequencing of Cancer-Related Genes in Tumor and Normal DNA vs Guideline-Based Germline Testing. JAMA. 2017 Sep 5;318(9):825-835. PMID: 28873162.

Labcorp Genetics (formerly Invitae), Labcorp
Classification: Pathogenic for Ataxia-telangiectasia syndrome. Last evaluated: 2025-06-01. Review status: criteria provided, single submitter. Criteria: Invitae Variant Classification Sherloc (09022015). Collection method: clinical testing. Allele origin: germline.
Comment: This sequence change creates a premature translational stop signal (p.Trp2960*) in the ATM gene. It is expected to result in an absent or disrupted protein product. Loss-of-function variants in ATM are known to be pathogenic (PMID: 23807571, 25614872). This variant is not present in population databases (gnomAD no frequency). This premature translational stop signal has been observed in individual(s) with ataxia-telangiectasia (PMID: 10817650). ClinVar contains an entry for this variant (Variation ID: 407645). For these reasons, this variant has been classified as Pathogenic.

Ambry Genetics
Classification: Pathogenic for Hereditary cancer-predisposing syndrome. Last evaluated: 2025-01-17. Review status: criteria provided, single submitter. Criteria: Ambry Variant Classification Scheme 2023. Collection method: clinical testing. Allele origin: germline.
Comment: The p.W2960* pathogenic mutation (also known as c.8880G>A), located in coding exon 61 of the ATM gene, results from a G to A substitution at nucleotide position 8880. This changes the amino acid from a tryptophan to a stop codon within coding exon 61. This variant is considered to be rare based on population cohorts in the Genome Aggregation Database (gnomAD). This alteration is expected to result in loss of function by premature protein truncation or nonsense-mediated mRNA decay. As such, this alteration is interpreted as a disease-causing mutation.

Myriad Genetics, Inc.
Classification: Pathogenic for Familial cancer of breast. Last evaluated: 2024-02-06. Review status: criteria provided, single submitter. Criteria: Myriad Autosomal Dominant, Autosomal Recessive and X-Linked Classification Criteria (2023). Collection method: clinical testing. Allele origin: unknown.
Comment: This variant is considered pathogenic. This variant creates a termination codon and is predicted to result in premature protein truncation.

Baylor Genetics
Classification: Pathogenic for Familial cancer of breast. Last evaluated: 2023-10-17. Review status: criteria provided, single submitter. Criteria: ACMG Guidelines, 2015. Collection method: clinical testing. Allele origin: unknown.

GeneDx
Classification: Pathogenic. Last evaluated: 2021-10-20. Review status: criteria provided, single submitter. Criteria: GeneDx Variant Classification Process June 2021. Collection method: clinical testing. Allele origin: germline. Affected: yes.
Comment: Nonsense variant predicted to result in protein truncation or nonsense mediated decay in a gene for which loss-of-function is a known mechanism of disease; Not observed at significant frequency in large population cohorts (Lek et al., 2016); This variant is associated with the following publications: (PMID: 27324988, 10817650)

Literature cited by the submitters: PubMed 23807571 (cited by Labcorp Genetics (formerly Invitae), Labcorp); PubMed 25614872 (cited by Labcorp Genetics (formerly Invitae), Labcorp); PubMed 10817650 (cited by Labcorp Genetics (formerly Invitae), Labcorp).